The following is an entry in ClinVar:

NM_053054.4(CATSPER1):c.1057G>A (p.Val353Ile)

Gene: CATSPER1 (cation channel sperm associated 1; minus strand). Cytogenetic location: 11q13.1.
Variant type: single nucleotide variant.
Coding change: c.1057G>A on transcript NM_053054.4 (MANE Select); coding-DNA position 1057, G replaced by A.
Protein change: p.Val353Ile; replaces valine 353 with isoleucine.
Molecular consequence: missense variant.
Genome position (GRCh38, 1-based): chr11:66,025,323, C>T on the plus strand (G>A on the coding strand, the complement: CATSPER1 is on the minus strand). VCF-style: chr11-66025323-C-T. GRCh37 (hg19) VCF-style: chr11-65792794-C-T.
Other names: short protein forms V353I.
Identifiers: ClinVar variation 768457 (VCV000768457.9), dbSNP rs1191715, ClinGen allele CA6114799.
Genomic context (GRCh38, chr11:66,025,323, plus strand): 5'-GTGAGCGGATTGTGCTGGAGGACCGAGTCATGCTGTGAGCCGAGCCCCGTGGGTGTGCTA[C>T]GTGATAGGGGAAGACTCCTGTACGAGAAGCAGCAGGGCCGGGGGCATCGTGAATCAGGCT-3'
Protein context (NP_444282.3, residues 343-363): ASRTGVFPYH[Val353Ile]AHPRGSAHSM

ClinVar aggregate classification (germline): Benign/Likely benign. Review status: criteria provided, multiple submitters, no conflicts (2 of 4 stars). 3 submissions from 3 submitters: Benign (1); Likely benign (2). Last evaluated 2019-12-31.

Conditions:
Spermatogenic failure 7. Also called: MALE INFERTILITY, NONSYNDROMIC, AUTOSOMAL RECESSIVE. Identifiers: Orphanet 276234, MedGen C2751811, MONDO:0013070, OMIM 612997.

Allele frequency attached by ClinVar (database versions not stated): gnomAD exomes 0.00143; ExAC 0.00429; 1000 Genomes Project 0.01238; gnomAD 0.01351; 1000 Genomes Project 30x 0.01530; TOPMed 0.01628; ESP Exome Variant Server 0.01632.
gnomAD v4.1: 4,331 of 1,614,006 alleles (0.27%); highest among the groups gnomAD compares: African/African-American, 4.9%; 81 homozygotes.

Submissions (3):

Labcorp Genetics (formerly Invitae), Labcorp
Classification: Benign. Last evaluated: 2019-12-31. Review status: criteria provided, single submitter. Criteria: Invitae Variant Classification Sherloc (09022015). Collection method: clinical testing. Allele origin: germline.

Illumina Laboratory Services, Illumina
Classification: Likely benign for Spermatogenic failure 7. Last evaluated: 2017-04-27. Review status: criteria provided, single submitter. Criteria: ICSL Variant Classification Criteria 13 December 2019. Collection method: clinical testing. Allele origin: germline.
Comment: This variant was observed as part of a predisposition screen in an ostensibly healthy population. A literature search was performed for the gene, cDNA change, and amino acid change (where applicable). No publications were found based on this search. Allele frequency data from public databases allowed determination this variant is unlikely to cause disease. Therefore, this variant is classified as likely benign.

Breakthrough Genomics
Classification: Likely benign. Review status: criteria provided, single submitter. Criteria: ACMG Guidelines, 2015. Collection method: not provided. Allele origin: germline. Inheritance: Autosomal recessive inheritance. Affected: yes.